The following is an entry in ClinVar:

NM_001349206.2(LPIN1):c.831-19_831-18delinsTA

Genes: LPIN1 (lipin 1; plus strand), LOC126806147 (CDK7 strongly-dependent group 2 enhancer GRCh37_chr2:11919054-11920253; plus strand). Cytogenetic location: 2p25.1.
Variant type: Indel.
Coding change: c.831-19_831-18delinsTA on transcript NM_001349206.2 (MANE Select); 19 bases into the intron before coding-DNA position 831 through 18 bases into the intron before coding-DNA position 831, GC replaced by TA.
Molecular consequence: intron variant.
Genome position (GRCh38, 1-based): chr2:11,779,500-11,779,501, GC replaced by TA. VCF-style: chr2-11779500-GC-TA. GRCh37 (hg19) VCF-style: chr2-11919626-GC-TA.
Other names: c.978-19_978-18delinsTA (NM_001261428.3); c.870-19_870-18delinsTA (NM_001349208.2); c.921-19_921-18delinsTA (NM_001349207.2); c.741-19_741-18delinsTA (NM_001261427.3); c.831-19_831-18delinsTA (NM_001349204.2, NM_001349205.2); c.828-19_828-18delinsTA (NM_001349202.2, NM_001349203.2); c.723-19_723-18delinsTA (NM_001349200.2, NM_001349199.2, NM_001349201.2 and 1 more transcripts).
Identifiers: ClinVar variation 2059158 (VCV002059158.1), dbSNP rs2546117707, ClinGen allele CA2580063692.

ClinVar aggregate classification (germline): Uncertain significance (1 of 4 stars; one submission).

Submission:

Labcorp Genetics (formerly Invitae), Labcorp
Classification: Uncertain significance. Last evaluated: 2022-08-06. Review status: criteria provided, single submitter. Criteria: Invitae Variant Classification Sherloc (09022015). Collection method: clinical testing. Allele origin: germline.
Comment: This sequence change falls in intron 5 of the LPIN1 gene. It does not directly change the encoded amino acid sequence of the LPIN1 protein. Information on the frequency of this variant in the gnomAD database is not available, as this variant may be reported differently in the database. This variant has not been reported in the literature in individuals affected with LPIN1-related conditions. Experimental studies and prediction algorithms are not available or were not evaluated, and the effect of this variant on mRNA splicing is currently unknown. In summary, the available evidence is currently insufficient to determine the role of this variant in disease. Therefore, it has been classified as a Variant of Uncertain Significance.